The following is an entry in ClinVar:

NM_000329.3(RPE65):c.58G>A (p.Glu20Lys)

Gene: RPE65 (retinoid isomerohydrolase RPE65; minus strand). Cytogenetic location: 1p31.3.
Variant type: single nucleotide variant.
Coding change: c.58G>A on transcript NM_000329.3 (MANE Select); coding-DNA position 58, G replaced by A.
Protein change: p.Glu20Lys; replaces glutamic acid 20 with lysine.
Molecular consequence: missense variant.
Genome position (GRCh38, 1-based): chr1:68,448,660, C>T on the plus strand (G>A on the coding strand, the complement: RPE65 is on the minus strand). VCF-style: chr1-68448660-C-T. GRCh37 (hg19) VCF-style: chr1-68914343-C-T.
Other names: short protein forms E20K.
Identifiers: ClinVar variation 1042245 (VCV001042245.7), dbSNP rs755545288, ClinGen allele CA902631.

ClinVar aggregate classification (germline): Uncertain significance. Review status: criteria provided, single submitter (1 of 4 stars). 2 submissions from 2 submitters: Uncertain significance (1). 1 of the submissions does not count toward it. Last evaluated 2021-09-02.

Conditions:
Leber congenital amaurosis 2 (LCA2). Also called: Autosomal Recessive RPE65-Related Retinal Degeneration; AMAUROSIS CONGENITA OF LEBER II. Identifiers: Orphanet 65, MedGen C1859844, MONDO:0008765, OMIM 204100. Disease mechanism: loss of function.
Retinitis pigmentosa 20 (RP20). Identifiers: Orphanet 791, MedGen C3151086, MONDO:0013425, OMIM 613794.
Leber congenital amaurosis (LCA). Also called: Leber's amaurosis. Identifiers: Orphanet 65, MedGen C0339527, MeSH D057130, MONDO:0018998.

Allele frequency attached by ClinVar (database versions not stated): gnomAD below 0.00001 and 0.00001; TOPMed below 0.00001; gnomAD exomes 0.00002 and 0.00005; ExAC 0.00004.
gnomAD v4.1: 35 of 1,613,778 alleles (0.0022%); highest among the groups gnomAD compares: South Asian, 0.038%; no homozygotes.

Submissions (2):

Labcorp Genetics (formerly Invitae), Labcorp
Classification: Uncertain significance for Leber congenital amaurosis 2; Retinitis pigmentosa 20. Last evaluated: 2021-09-02. Review status: criteria provided, single submitter. Criteria: Invitae Variant Classification Sherloc (09022015). Collection method: clinical testing. Allele origin: germline.
Comment: This sequence change replaces glutamic acid with lysine at codon 20 of the RPE65 protein (p.Glu20Lys). The glutamic acid residue is moderately conserved and there is a small physicochemical difference between glutamic acid and lysine. This variant is present in population databases (rs755545288, ExAC 0.03%). This variant has not been reported in the literature in individuals affected with RPE65-related conditions. Algorithms developed to predict the effect of missense changes on protein structure and function (SIFT, PolyPhen-2, Align-GVGD) all suggest that this variant is likely to be tolerated. In summary, the available evidence is currently insufficient to determine the role of this variant in disease. Therefore, it has been classified as a Variant of Uncertain Significance.

Natera, Inc.
Classification: Uncertain significance for Leber congenital amaurosis. Last evaluated: 2020-12-14. Review status: no assertion criteria provided. Collection method: clinical testing. Allele origin: germline. Not counted in ClinVar's aggregate classification.